The following is an entry in ClinVar:

ClinVar aggregate classification (germline): Likely benign (0 of 4 stars; one submission).

Conditions:
ASTN2-related disorder. Also called: ASTN2-related condition.

Allele frequency attached by ClinVar (database versions not stated): gnomAD 0.00005; TOPMed 0.00005; 1000 Genomes Project 30x 0.00016; 1000 Genomes Project 0.00020.
gnomAD v4.1: 212 of 1,611,686 alleles (0.013%); highest among the groups gnomAD compares: Middle Eastern, 0.019%; no homozygotes.

Submission:

PreventionGenetics, part of Exact Sciences
Classification: Likely benign for ASTN2-related condition. Last evaluated: 2019-09-10. Review status: no assertion criteria provided. Collection method: clinical testing. Allele origin: germline.
Comment: This variant is classified as likely benign based on ACMG/AMP sequence variant interpretation guidelines (Richards et al. 2015 PMID: 25741868, with internal and published modifications).

NM_001365068.1(ASTN2):c.2806+8C>T

Gene: ASTN2 (astrotactin 2; minus strand). Cytogenetic location: 9q33.1.
Variant type: single nucleotide variant.
Coding change: c.2806+8C>T on transcript NM_001365068.1 (MANE Select); 8 bases into the intron after coding-DNA position 2806, C replaced by T.
Molecular consequence: intron variant.
Genome position (GRCh38, 1-based): chr9:116,725,763, G>A on the plus strand (C>T on the coding strand, the complement: ASTN2 is on the minus strand). VCF-style: chr9-116725763-G-A. GRCh37 (hg19) VCF-style: chr9-119488042-G-A.
Other names: c.2653+8C>T (NM_014010.5); c.2794+8C>T (NM_001365069.1).
Identifiers: ClinVar variation 3040812 (VCV003040812.2), dbSNP rs574409013, ClinGen allele CA5211246.